The following is an entry in ClinVar:

NM_001408.3(CELSR2):c.5248C>T (p.Pro1750Ser)

Gene: CELSR2 (cadherin EGF LAG seven-pass G-type receptor 2; plus strand). Cytogenetic location: 1p13.3.
Variant type: single nucleotide variant.
Coding change: c.5248C>T on transcript NM_001408.3 (MANE Select); coding-DNA position 5248, C replaced by T.
Protein change: p.Pro1750Ser; replaces proline 1750 with serine.
Molecular consequence: missense variant.
Genome position (GRCh38, 1-based): chr1:109,264,324, C>T. VCF-style: chr1-109264324-C-T. GRCh37 (hg19) VCF-style: chr1-109806946-C-T.
Other names: short protein forms P1750S.
Identifiers: ClinVar variation 3054507 (VCV003054507.2), dbSNP rs199761472, ClinGen allele CA987470.

ClinVar aggregate classification (germline): Likely benign (0 of 4 stars; one submission).

Conditions:
CELSR2-related disorder. Also called: CELSR2-related condition.

Allele frequency attached by ClinVar (database versions not stated): gnomAD 0.00005; gnomAD exomes 0.00005; TOPMed 0.00006; ExAC 0.00008; ESP Exome Variant Server 0.00008; 1000 Genomes Project 30x 0.00016; 1000 Genomes Project 0.00020.
gnomAD v4.1: 80 of 1,612,690 alleles (0.005%); highest among the groups gnomAD compares: East Asian, 0.0022%; no homozygotes.

Submission:

PreventionGenetics, part of Exact Sciences
Classification: Likely benign for CELSR2-related condition. Last evaluated: 2022-04-01. Review status: no assertion criteria provided. Collection method: clinical testing. Allele origin: germline.
Comment: This variant is classified as likely benign based on ACMG/AMP sequence variant interpretation guidelines (Richards et al. 2015 PMID: 25741868, with internal and published modifications).